The following is an entry in ClinVar:

ClinVar aggregate classification (germline): Uncertain significance (1 of 4 stars; one submission).

Submission:

Labcorp Genetics (formerly Invitae), Labcorp
Classification: Uncertain significance. Last evaluated: 2022-04-18. Review status: criteria provided, single submitter. Criteria: Invitae Variant Classification Sherloc (09022015). Collection method: clinical testing. Allele origin: germline.
Comment: In summary, the available evidence is currently insufficient to determine the role of this variant in disease. Therefore, it has been classified as a Variant of Uncertain Significance. Algorithms developed to predict the effect of missense changes on protein structure and function are either unavailable or do not agree on the potential impact of this missense change (SIFT: "Deleterious"; PolyPhen-2: "Benign"; Align-GVGD: "Class C0"). This variant has not been reported in the literature in individuals affected with CACNA1D-related conditions. This variant is not present in population databases (gnomAD no frequency). This sequence change replaces arginine, which is basic and polar, with lysine, which is basic and polar, at codon 1718 of the CACNA1D protein (p.Arg1718Lys).

NM_001128840.3(CACNA1D):c.5093G>A (p.Arg1698Lys)

Gene: CACNA1D (calcium voltage-gated channel subunit alpha1 D; plus strand). Cytogenetic location: 3p21.1.
Variant type: single nucleotide variant.
Coding change: c.5093G>A on transcript NM_001128840.3 (MANE Select); coding-DNA position 5093, G replaced by A.
Protein change: p.Arg1698Lys; replaces arginine 1698 with lysine.
Molecular consequence: missense variant.
Genome position (GRCh38, 1-based): chr3:53,801,110, G>A. VCF-style: chr3-53801110-G-A. GRCh37 (hg19) VCF-style: chr3-53835137-G-A.
Other names: c.5153G>A, p.Arg1718Lys (NM_000720.4); c.5048G>A, p.Arg1683Lys (NM_001128839.3); short protein forms R1683K, R1698K, R1718K.
Identifiers: ClinVar variation 2126858 (VCV002126858.4), dbSNP rs2474467729, ClinGen allele CA353249874.
Genomic context (GRCh38, chr3:53,801,110, plus strand): 5'-TTTTGCAGAGAAATGGTGCCCTGCTTGGAAACCATGTCAATCATGTTAATAGTGATAGGA[G>A]AGATTCCCTTCAGCAGACCAATACCACCCACCGTCCCCTGCATGTCCAAAGGCCTTCAAT-3'
Protein context (NP_001122312.1, residues 1688-1708): NHVNHVNSDR[Arg1698Lys]DSLQQTNTTH